The following is an entry in ClinVar:

NM_018942.3(HMX1):c.304C>T (p.Pro102Ser)

Gene: HMX1 (H6 family homeobox 1; minus strand). Cytogenetic location: 4p16.1.
Variant type: single nucleotide variant.
Coding change: c.304C>T on transcript NM_018942.3 (MANE Select); coding-DNA position 304, C replaced by T.
Protein change: p.Pro102Ser; replaces proline 102 with serine.
Molecular consequence: missense variant.
Genome position (GRCh38, 1-based): chr4:8,871,311, G>A on the plus strand (C>T on the coding strand, the complement: HMX1 is on the minus strand). VCF-style: chr4-8871311-G-A. GRCh37 (hg19) VCF-style: chr4-8873037-G-A.
Other names: c.304C>T, p.Pro102Ser (NM_001306142.2); short protein forms P102S.
Identifiers: ClinVar variation 1970279 (VCV001970279.5), dbSNP rs1033474947, ClinGen allele CA92350220.

ClinVar aggregate classification (germline): Uncertain significance (1 of 4 stars; one submission).

Allele frequency attached by ClinVar (database versions not stated): TOPMed 0.00001.

Submission:

Labcorp Genetics (formerly Invitae), Labcorp
Classification: Uncertain significance. Last evaluated: 2022-03-16. Review status: criteria provided, single submitter. Criteria: Invitae Variant Classification Sherloc (09022015). Collection method: clinical testing. Allele origin: germline.
Comment: In summary, the available evidence is currently insufficient to determine the role of this variant in disease. Therefore, it has been classified as a Variant of Uncertain Significance. Algorithms developed to predict the effect of missense changes on protein structure and function are either unavailable or do not agree on the potential impact of this missense change (SIFT: "Tolerated"; PolyPhen-2: "Not Available"; Align-GVGD: "Class C0"). This variant has not been reported in the literature in individuals affected with HMX1-related conditions. This variant is not present in population databases (gnomAD no frequency). This sequence change replaces proline, which is neutral and non-polar, with serine, which is neutral and polar, at codon 102 of the HMX1 protein (p.Pro102Ser).